The following is an entry in ClinVar:

ClinVar aggregate classification (germline): Likely benign (1 of 4 stars; one submission).

Allele frequency attached by ClinVar (database versions not stated): TOPMed below 0.00001; gnomAD 0.00001.
gnomAD v4.1: 5 of 1,613,588 alleles (0.00031%); highest among the groups gnomAD compares: Non-Finnish European, 0.00042%; no homozygotes.

Submission:

CeGaT Center for Human Genetics Tuebingen
Classification: Likely benign. Last evaluated: 2022-11-01. Review status: criteria provided, single submitter. Criteria: CeGaT Center For Human Genetics Tuebingen Variant Classification Criteria Version 2. Collection method: clinical testing. Allele origin: germline. Affected: yes. Observed: 1 variant allele.
Comment: MAF: BP4, BP7

NM_005360.5(MAF):c.897C>T (p.Arg299=)

Gene: MAF (MAF bZIP transcription factor; minus strand). Cytogenetic location: 16q23.2.
Variant type: single nucleotide variant.
Coding change: c.897C>T on transcript NM_005360.5 (MANE Select); coding-DNA position 897, C replaced by T.
Protein change: p.Arg299=; no amino-acid change (arginine 299 retained).
Molecular consequence: synonymous variant.
Genome position (GRCh38, 1-based): chr16:79,599,006, G>A on the plus strand (C>T on the coding strand, the complement: MAF is on the minus strand). VCF-style: chr16-79599006-G-A. GRCh37 (hg19) VCF-style: chr16-79632903-G-A.
Other names: c.897C>T, p.Arg299= (NM_001031804.3).
Identifiers: ClinVar variation 1879343 (VCV001879343.29), dbSNP rs1199556915, ClinGen allele CA496508985.